The following is an entry in ClinVar:

ClinVar aggregate classification (germline): Likely pathogenic (1 of 4 stars; one submission).

Conditions:
Retinitis pigmentosa 25 (RP25). Identifiers: Orphanet 791, MedGen C1864446, MONDO:0011272, OMIM 602772.

Submission:

Natera, Inc.
Classification: Likely pathogenic for Retinitis pigmentosa type 25. Last evaluated: 2025-09-09. Review status: criteria provided, single submitter. Criteria: Natera Variant Classification Schema (03/2026). Collection method: clinical testing. Allele origin: germline.
Comment: The c.3754A>T variant in EYS is a nonsense variant predicted to introduce a stop codon at amino acid 1252. This variant is expected to result in nonsense mediated decay, truncation, or a dysfunctional protein product. This variant is rare in the general population with a frequency below the threshold expected for the associated phenotype(s). Given the available evidence, this variant is classified as Likely Pathogenic.

NM_001142800.2(EYS):c.3754A>T (p.Arg1252Ter)

Gene: EYS (EGF-like photoreceptor maintenance factor; minus strand). Cytogenetic location: 6q12.
Variant type: single nucleotide variant.
Coding change: c.3754A>T on transcript NM_001142800.2 (MANE Select); coding-DNA position 3754, A replaced by T.
Protein change: p.Arg1252Ter; replaces arginine 1252 with a stop codon.
Molecular consequence: nonsense.
Genome position (GRCh38, 1-based): chr6:64,593,240, T>A on the plus strand (A>T on the coding strand, the complement: EYS is on the minus strand). VCF-style: chr6-64593240-T-A. GRCh37 (hg19) VCF-style: chr6-65303133-T-A.
Other names: c.3754A>T, p.Arg1252Ter (NM_001292009.2); short protein forms R1252*.
Identifiers: ClinVar variation 4814633 (VCV004814633.1).